The following is an entry in ClinVar:

ClinVar aggregate classification (germline): Uncertain significance. Review status: criteria provided, multiple submitters, no conflicts (2 of 4 stars). 2 submissions from 2 submitters: Uncertain significance (2). Last evaluated 2025-09-11.

Submissions (2):

Women's Health and Genetics/Laboratory Corporation of America, LabCorp
Classification: Uncertain significance. Last evaluated: 2025-09-11. Review status: criteria provided, single submitter. Criteria: LabCorp Variant Classification Summary - May 2015. Collection method: clinical testing. Allele origin: germline.
Comment: Variant summary: BRIP1 c.139C>T (p.Pro47Ser) results in a non-conservative amino acid change in the encoded protein sequence. Algorithms developed to predict the effect of missense changes on protein structure and function all suggest that this variant is likely to be disruptive. The variant was absent in 251410 control chromosomes. The available data on variant occurrences in the general population are insufficient to allow any conclusion about variant significance. To our knowledge, no occurrence of c.139C>T in individuals affected with BRIP1-related conditions and no experimental evidence demonstrating its impact on protein function have been reported. No submitters have cited clinical-significance assessments for this variant to ClinVar. Based on the evidence outlined above, the variant was classified as uncertain significance.

GeneDx
Classification: Uncertain significance. Last evaluated: 2025-03-06. Review status: criteria provided, single submitter. Criteria: GeneDx Variant Classification Process June 2021. Collection method: clinical testing. Allele origin: germline. Affected: yes.
Comment: Not observed at significant frequency in large population cohorts (gnomAD); In silico analysis supports that this missense variant has a deleterious effect on protein structure/function; Has not been previously published as pathogenic or benign to our knowledge; This variant is associated with the following publications: (PMID: 11301010)

NM_032043.3(BRIP1):c.139C>T (p.Pro47Ser)

Gene: BRIP1 (BRCA1 interacting DNA helicase 1; minus strand). Cytogenetic location: 17q23.2.
Variant type: single nucleotide variant.
Coding change: c.139C>T on transcript NM_032043.3 (MANE Select); coding-DNA position 139, C replaced by T.
Protein change: p.Pro47Ser; replaces proline 47 with serine.
Molecular consequence: missense variant.
Genome position (GRCh38, 1-based): chr17:61,859,862, G>A on the plus strand (C>T on the coding strand, the complement: BRIP1 is on the minus strand). VCF-style: chr17-61859862-G-A. GRCh37 (hg19) VCF-style: chr17-59937223-G-A.
Other names: short protein forms P47S.
Identifiers: ClinVar variation 4082934 (VCV004082934.2).